The following is an entry in ClinVar:

ClinVar aggregate classification (germline): Pathogenic/Likely pathogenic. Review status: criteria provided, multiple submitters, no conflicts (2 of 4 stars). 4 submissions from 4 submitters: Pathogenic (3); Likely pathogenic (1). Last evaluated 2025-12-15.

Conditions:
KRIT1-related disorder. Also called: KRIT1-related condition; KRIT1-related disorders.
Cerebral cavernous malformation (CCM). Also called: Cavernous Hemangioma of Brain; Cerebral cavernous hemangioma (type); Cerebral cavernous malformations; CAVERNOUS ANGIOMA, FAMILIAL; CAVERNOUS ANGIOMATOUS MALFORMATIONS; CEREBRAL CAPILLARY MALFORMATIONS. Identifiers: Orphanet 221061, MedGen C2919945, MONDO:0000820, OMIM 116860, HP:0033522.

Submissions (4):

Labcorp Genetics (formerly Invitae), Labcorp
Classification: Pathogenic for Cerebral cavernous malformation. Last evaluated: 2025-12-15. Review status: criteria provided, single submitter. Criteria: Invitae Variant Classification Sherloc (09022015). Collection method: clinical testing. Allele origin: germline.
Comment: This sequence change falls in intron 16 of the KRIT1 gene. It does not directly change the encoded amino acid sequence of the KRIT1 protein. RNA analysis indicates that this variant induces altered splicing and may result in an absent or altered protein product. This variant is not present in population databases (gnomAD no frequency). This variant has been observed in individuals with cerebral cavernous malformations (PMID: 23595507, 24466005). ClinVar contains an entry for this variant (Variation ID: 590718). Variants that disrupt the consensus splice site are a relatively common cause of aberrant splicing (PMID: 17576681, 9536098). Studies have shown that this variant results in deletion of exon 15, and produces a non-functional protein and/or introduces a premature termination codon (PMID: 23595507). For these reasons, this variant has been classified as Pathogenic.

Blueprint Genetics
Classification: Likely pathogenic for KRIT1-related disorders. Last evaluated: 2021-08-18. Review status: criteria provided, single submitter. Criteria: ACMG Guidelines, 2015. Collection method: clinical testing. Allele origin: germline. Affected: yes. Observed: 1 variant allele.

PreventionGenetics, part of Exact Sciences
Classification: Pathogenic. Last evaluated: 2016-06-14. Review status: criteria provided, single submitter. Criteria: ACMG Guidelines, 2015. Collection method: clinical testing. Allele origin: germline.

Clinical Genetics Service, Universitary Hospital 12 de Octubre
Classification: Pathogenic for Cerebral cavernous malformation. Review status: criteria provided, single submitter. Criteria: ACMG Guidelines, 2015. Collection method: clinical testing. Allele origin: germline. Affected: yes.

Literature cited by the submitters: PubMed 23595507 (cited by Labcorp Genetics (formerly Invitae), Labcorp); PubMed 24466005 (cited by Labcorp Genetics (formerly Invitae), Labcorp); PubMed 17576681 (cited by Labcorp Genetics (formerly Invitae), Labcorp); PubMed 9536098 (cited by Labcorp Genetics (formerly Invitae), Labcorp).

NM_194454.3(KRIT1):c.1730+5G>A

Gene: KRIT1 (KRIT1 ankyrin repeat containing; minus strand). Cytogenetic location: 7q21.2.
Variant type: single nucleotide variant.
Coding change: c.1730+5G>A on transcript NM_194454.3 (MANE Select); 5 bases into the intron after coding-DNA position 1730, G replaced by A.
Molecular consequence: intron variant.
Genome position (GRCh38, 1-based): chr7:92,214,606, C>T on the plus strand (G>A on the coding strand, the complement: KRIT1 is on the minus strand). VCF-style: chr7-92214606-C-T. GRCh37 (hg19) VCF-style: chr7-91843920-C-T.
Other names: c.1730+5G>A (NM_001350672.1, NM_001350676.1, NM_001350673.1 and 26 more transcripts); c.1586+5G>A (NM_001350669.1, NM_001013406.2, NM_001350670.1); c.1016+5G>A (NM_001350671.1).
Identifiers: ClinVar variation 590718 (VCV000590718.7), dbSNP rs1563244618, ClinGen allele CA891862789.